The following is an entry in ClinVar:

ClinVar aggregate classification (germline): Pathogenic (1 of 4 stars; one submission).

Conditions:
Ataxia-telangiectasia syndrome (AT). Also called: Cerebello-oculocutaneous telangiectasia; Immunodeficiency with ataxia telangiectasia; LOUIS-BAR SYNDROME; ATAXIA-TELANGIECTASIA, COMPLEMENTATION GROUP A; ATAXIA-TELANGIECTASIA, FRESNO VARIANT; Ataxia-telangiectasia, complementation group D. Identifiers: Orphanet 100, MedGen C0004135, MONDO:0008840, OMIM 208900.

Submission:

Labcorp Genetics (formerly Invitae), Labcorp
Classification: Pathogenic for Ataxia-telangiectasia syndrome. Last evaluated: 2021-02-15. Review status: criteria provided, single submitter. Criteria: Invitae Variant Classification Sherloc (09022015). Collection method: clinical testing. Allele origin: germline.
Comment: This sequence change creates a premature translational stop signal (p.Val1734Leufs*4) in the ATM gene. It is expected to result in an absent or disrupted protein product. Loss-of-function variants in ATM are known to be pathogenic (PMID: 23807571, 25614872). For these reasons, this variant has been classified as Pathogenic. This variant has not been reported in the literature in individuals with ATM-related conditions. This variant is not present in population databases (ExAC no frequency).

Literature cited by the submitters: PubMed 23807571; PubMed 25614872.

NM_000051.4(ATM):c.5200del (p.Val1734fs)

Gene: ATM (ATM serine/threonine kinase; plus strand). Cytogenetic location: 11q22.3.
Variant type: Deletion.
Coding change: c.5200del on transcript NM_000051.4 (MANE Select); coding-DNA position 5200, one base deleted (G; older notation c.5200delG).
Protein change: p.Val1734fs; shifts the reading frame from valine 1734.
Molecular consequence: frameshift variant.
Genome position (GRCh38, 1-based): chr11:108,301,670, G deleted. VCF-style (leftmost placement, unchanged base first): chr11-108301669-TG-T. GRCh37 (hg19) VCF-style: chr11-108172396-TG-T.
Other names: c.5200del, p.Val1734fs (NM_001351834.2); short protein forms V1734fs.
Identifiers: ClinVar variation 1380437 (VCV001380437.6), dbSNP rs2135912272, ClinGen allele CA2573146511.
Genomic context (GRCh38, chr11:108,301,669, plus strand): 5'-ACTGGTGTACTTGATAGGCATTTGAATTGTTTTTTTCAGTGTCAAAGTTCGATCAGCAGC[TG>T]TTACCTGTTTGAAAAACATTTTAGCCACAAAGACTGGACATAGTTTCTGGGAGATTTATA-3'